The following is an entry in ClinVar:

ClinVar aggregate classification (germline): Conflicting classifications of pathogenicity. Review status: criteria provided, conflicting classifications (1 of 4 stars). 2 submissions from 2 submitters: Likely pathogenic (1); Uncertain significance (1). Last evaluated 2022-07-18.

Conditions:
NDP-related disorders.

Submissions (2):

Labcorp Genetics (formerly Invitae), Labcorp
Classification: Uncertain significance. Last evaluated: 2022-07-18. Review status: criteria provided, single submitter. Criteria: Invitae Variant Classification Sherloc (09022015). Collection method: clinical testing. Allele origin: germline.
Comment: In summary, the available evidence is currently insufficient to determine the role of this variant in disease. Therefore, it has been classified as a Variant of Uncertain Significance. This missense change has been observed in individuals with Norrie disease (PMID: 20340138; Invitae). This sequence change replaces glycine, which is neutral and non-polar, with glutamic acid, which is acidic and polar, at codon 67 of the NDP protein (p.Gly67Glu). This variant is not present in population databases (gnomAD no frequency). ClinVar contains an entry for this variant (Variation ID: 1373871). Algorithms developed to predict the effect of missense changes on protein structure and function are either unavailable or do not agree on the potential impact of this missense change (SIFT: "Deleterious"; PolyPhen-2: "Benign"; Align-GVGD: "Class C65"). This variant disrupts the p.Gly67 amino acid residue in NDP. Other variant(s) that disrupt this residue have been observed in individuals with NDP-related conditions (PMID: 20340138), which suggests that this may be a clinically significant amino acid residue.

Blueprint Genetics
Classification: Likely pathogenic for NDP-related disorders. Last evaluated: 2020-12-28. Review status: criteria provided, single submitter. Criteria: ACMG Guidelines, 2015. Collection method: clinical testing. Allele origin: germline. Affected: yes. Observed: 2 variant alleles.

Literature cited by the submitters: PubMed 20340138 (cited by Labcorp Genetics (formerly Invitae), Labcorp).

NM_000266.4(NDP):c.200G>A (p.Gly67Glu)

Genes: NDP (norrin cystine knot growth factor NDP; minus strand), NDP-AS1 (NDP antisense RNA 1; plus strand). Cytogenetic location: Xp11.3.
Variant type: single nucleotide variant.
Coding change: c.200G>A on transcript NM_000266.4 (MANE Select); coding-DNA position 200, G replaced by A.
Protein change: p.Gly67Glu; replaces glycine 67 with glutamic acid.
Molecular consequence: missense variant. On other transcripts: non-coding transcript variant (1).
Genome position (GRCh38, 1-based): chrX:43,950,001, C>T on the plus strand (G>A on the coding strand, the complement: NDP is on the minus strand). VCF-style: chrX-43950001-C-T. GRCh37 (hg19) VCF-style: chrX-43809247-C-T.
Other names: short protein forms G67E.
Identifiers: ClinVar variation 1373871 (VCV001373871.7), dbSNP rs1460859456, ClinGen allele CA413007974.